The following is an entry in ClinVar:

ClinVar aggregate classification (germline): Uncertain significance. Review status: criteria provided, multiple submitters, no conflicts (2 of 4 stars). 5 submissions from 5 submitters: Uncertain significance (5). Last evaluated 2026-02-04.

Conditions:
Aortic aneurysm, familial thoracic 4 (AAT4). Also called: AORTIC ANEURYSM/AORTIC DISSECTION AND PATENT DUCTUS ARTERIOSUS. Identifiers: MedGen C1851504, MONDO:0007568, OMIM 132900.
Familial thoracic aortic aneurysm and aortic dissection (TAAD). Also called: Thoracic aortic aneurysms and dissections. Identifiers: Orphanet 91387, MedGen C4707243, MONDO:0019625.

Allele frequency attached by ClinVar (database versions not stated): gnomAD 0.00001; ExAC 0.00002; TOPMed below 0.00001.
gnomAD v4.1: 28 of 1,611,732 alleles (0.0017%); highest among the groups gnomAD compares: Middle Eastern, 0.016%; no homozygotes.

Submissions (5):

Labcorp Genetics (formerly Invitae), Labcorp
Classification: Uncertain significance for Aortic aneurysm, familial thoracic 4. Last evaluated: 2026-02-04. Review status: criteria provided, single submitter. Criteria: Invitae Variant Classification Sherloc (09022015). Collection method: clinical testing. Allele origin: germline.
Comment: This sequence change replaces arginine, which is basic and polar, with tryptophan, which is neutral and slightly polar, at codon 1049 of the MYH11 protein (p.Arg1049Trp). This variant is present in population databases (rs774490005, gnomAD 0.007%). This variant has not been reported in the literature in individuals affected with MYH11-related conditions. ClinVar contains an entry for this variant (Variation ID: 405461). An algorithm developed to predict the effect of missense changes on protein structure and function (PolyPhen-2) suggests that this variant is likely to be disruptive. In summary, the available evidence is currently insufficient to determine the role of this variant in disease. Therefore, it has been classified as a Variant of Uncertain Significance.

Dasa
Classification: Uncertain significance for Aortic aneurysm, familial thoracic 4. Last evaluated: 2025-08-27. Review status: criteria provided, single submitter. Criteria: DASA Assertion Criteria. Collection method: clinical testing. Allele origin: germline.
Comment: NM_002474.3(MYH11):c.3124C>T (p.Arg1042Trp) is a missense variant that results in the substitution of arginine with tryptophan. This variant is rare in population databases. Computational prediction algorithms are consistent with a deleterious effect. The currently available literature and clinical evidence are not sufficient to establish a definitive association between this variant and the reported condition. Therefore, this variant is classified as a variant of uncertain significance.

All of Us Research Program, National Institutes of Health
Classification: Uncertain significance for Familial thoracic aortic aneurysm and aortic dissection. Last evaluated: 2024-06-09. Review status: criteria provided, single submitter. Criteria: ACMG Guidelines, 2015. Collection method: clinical testing. Allele origin: germline. Inheritance: Autosomal dominant inheritance. Observed: 1 variant allele, 1 heterozygote.
Comment: This missense variant replaces arginine with tryptophan at codon 1049 of the MYH11 protein. Computational prediction suggests that this variant may have deleterious impact on protein structure and function (internally defined REVEL score threshold >= 0.7, PMID: 27666373). To our knowledge, functional studies have not been reported for this variant. This variant has not been reported in individuals affected with cardiovascular disorders in the literature. This variant has been identified in 7/249678 chromosomes in the general population by the Genome Aggregation Database (gnomAD). The available evidence is insufficient to determine the role of this variant in disease conclusively. Therefore, this variant is classified as a Variant of Uncertain Significance.

This study involves interpretation of variants in research participants for the purpose of population health screening. Participant phenotype was not available at the time of variant classification. Additional details can be found in publication PMID: 35346344, PMCID: PMC8962531

Color Diagnostics, LLC DBA Color Health
Classification: Uncertain significance for Familial thoracic aortic aneurysm and aortic dissection. Last evaluated: 2024-05-27. Review status: criteria provided, single submitter. Criteria: ACMG Guidelines, 2015. Collection method: clinical testing. Allele origin: germline.
Comment: This missense variant replaces arginine with tryptophan at codon 1049 of the MYH11 protein. Computational prediction tools indicate that this variant has a deleterious impact on protein structure and function. To our knowledge, functional studies have not been reported for this variant. This variant has not been reported in individuals affected with MYH11-related disorders in the literature. This variant has been identified in 7/249678 chromosomes in the general population by the Genome Aggregation Database (gnomAD). The available evidence is insufficient to determine the role of this variant in disease conclusively. Therefore, this variant is classified as a Variant of Uncertain Significance.

Women's Health and Genetics/Laboratory Corporation of America, LabCorp
Classification: Uncertain significance. Last evaluated: 2019-10-08. Review status: criteria provided, single submitter. Criteria: LabCorp Variant Classification Summary - May 2015. Collection method: clinical testing. Allele origin: germline.
Comment: Variant summary: MYH11 c.3145C>T (p.Arg1049Trp) results in a non-conservative amino acid change located in the Myosin tail domain (IPR002928) of the encoded protein sequence. Five of five in-silico tools predict a damaging effect of the variant on protein function. The variant allele was found at a frequency of 2.8e-05 in 249678 control chromosomes (gnomAD). The available data on variant occurrences in the general population are insufficient to allow any conclusion about variant significance. T our knowledge, there are no reports of c.3145C>T in individuals affected with Aortopathy and no experimental evidence demonstrating an impact on protein function in the literature. One clinical diagnostic laboratory has submitted a clinical-significance assessment for this variant to ClinVar after 2014 without evidence for independent evaluation and cited the variant as uncertain significance. Based on the evidence outlined above, the variant was classified as uncertain significance.

Literature cited by the submitters: PubMed 27149842 (cited by Women's Health and Genetics/Laboratory Corporation of America, LabCorp).

NM_002474.3(MYH11):c.3124C>T (p.Arg1042Trp)

Gene: MYH11 (myosin heavy chain 11; minus strand). Cytogenetic location: 16p13.11.
Variant type: single nucleotide variant.
Coding change: c.3124C>T on transcript NM_002474.3 (MANE Select); coding-DNA position 3124, C replaced by T.
Protein change: p.Arg1042Trp; replaces arginine 1042 with tryptophan.
Molecular consequence: missense variant.
Genome position (GRCh38, 1-based): chr16:15,737,618, G>A on the plus strand (C>T on the coding strand, the complement: MYH11 is on the minus strand). VCF-style: chr16-15737618-G-A. GRCh37 (hg19) VCF-style: chr16-15831475-G-A.
Other names: c.3145C>T, p.Arg1049Trp (NM_001040113.2, NM_001040114.2); c.3124C>T, p.Arg1042Trp (NM_022844.3); short protein forms R1049W, R1042W.
Identifiers: ClinVar variation 405461 (VCV000405461.15), dbSNP rs774490005, ClinGen allele CA7922075.